The following is an entry in ClinVar:

ClinVar aggregate classification (germline): Uncertain significance (1 of 4 stars; one submission).

Conditions:
Hereditary nonpolyposis colorectal neoplasms. Identifiers: MedGen C0009405, MeSH D003123.

Submission:

Labcorp Genetics (formerly Invitae), Labcorp
Classification: Uncertain significance for Hereditary nonpolyposis colorectal neoplasms. Last evaluated: 2022-12-24. Review status: criteria provided, single submitter. Criteria: Invitae Variant Classification Sherloc (09022015). Collection method: clinical testing. Allele origin: germline.
Comment: In summary, the available evidence is currently insufficient to determine the role of this variant in disease. Therefore, it has been classified as a Variant of Uncertain Significance. Advanced modeling of protein sequence and biophysical properties (such as structural, functional, and spatial information, amino acid conservation, physicochemical variation, residue mobility, and thermodynamic stability) performed at Invitae indicates that this missense variant is not expected to disrupt MSH6 protein function. ClinVar contains an entry for this variant (Variation ID: 1425787). This variant has not been reported in the literature in individuals affected with MSH6-related conditions. This variant is not present in population databases (gnomAD no frequency). This sequence change replaces lysine, which is basic and polar, with threonine, which is neutral and polar, at codon 660 of the MSH6 protein (p.Lys660Thr).

NM_000179.3(MSH6):c.1979A>C (p.Lys660Thr)

Gene: MSH6 (mutS homolog 6; plus strand). Cytogenetic location: 2p16.3.
Variant type: single nucleotide variant.
Coding change: c.1979A>C on transcript NM_000179.3 (MANE Select); coding-DNA position 1979, A replaced by C.
Protein change: p.Lys660Thr; replaces lysine 660 with threonine.
Molecular consequence: missense variant.
Genome position (GRCh38, 1-based): chr2:47,799,962, A>C. VCF-style: chr2-47799962-A-C. GRCh37 (hg19) VCF-style: chr2-48027101-A-C.
Other names: c.1589A>C, p.Lys530Thr (NM_001281492.2); c.1073A>C, p.Lys358Thr (NM_001281493.2, NM_001281494.2); short protein forms K660T, K530T, K358T.
Identifiers: ClinVar variation 1425787 (VCV001425787.8), dbSNP rs1669403194, ClinGen allele CA346750620.